The following is an entry in ClinVar:

ClinVar aggregate classification (germline): Uncertain significance (1 of 4 stars; one submission).

Submission:

Labcorp Genetics (formerly Invitae), Labcorp
Classification: Uncertain significance. Last evaluated: 2023-07-09. Review status: criteria provided, single submitter. Criteria: Invitae Variant Classification Sherloc (09022015). Collection method: clinical testing. Allele origin: germline.
Comment: This sequence change affects codon 136 of the CXCR2 mRNA. It is a 'silent' change, meaning that it does not change the encoded amino acid sequence of the CXCR2 protein. Information on the frequency of this variant in the gnomAD database is not available, as this variant may be reported differently in the database. This variant has not been reported in the literature in individuals affected with CXCR2-related conditions. Experimental studies and prediction algorithms are not available or were not evaluated, and the effect of this variant on mRNA splicing is currently unknown. In summary, the available evidence is currently insufficient to determine the role of this variant in disease. Therefore, it has been classified as a Variant of Uncertain Significance.

NM_001557.4(CXCR2):c.408_409inv (p.Leu136_Leu137=)

Gene: CXCR2 (C-X-C motif chemokine receptor 2; plus strand). Cytogenetic location: 2q35.
Variant type: Inversion.
Coding change: c.408_409inv on transcript NM_001557.4 (MANE Select).
Protein change: p.Leu136_Leu137=.
Molecular consequence: synonymous variant.
Genome position: GRCh38 VCF-style: chr2-218135209-AC-GT. GRCh37 (hg19) VCF-style: chr2-218999932-AC-GT.
Other names: c.408_409inv, p.Leu136_Leu137= (NM_001168298.2).
Identifiers: ClinVar variation 2961853 (VCV002961853.1), ClinGen allele CA2740096445.